The following is an entry in ClinVar:

ClinVar aggregate classification (germline): Pathogenic/Likely pathogenic. Review status: criteria provided, multiple submitters, no conflicts (2 of 4 stars). 2 submissions from 2 submitters: Pathogenic (1); Likely pathogenic (1). Last evaluated 2024-09-26.

Submissions (2):

GeneDx
Classification: Likely pathogenic. Last evaluated: 2024-09-26. Review status: criteria provided, single submitter. Criteria: GeneDx Variant Classification Process June 2021. Collection method: clinical testing. Allele origin: germline. Affected: yes.
Comment: Frameshift variant predicted to result in abnormal protein length as the last 195 amino acid(s) are replaced with 3 different amino acid(s), and other similar variants have been reported in HGMD; Not observed at significant frequency in large population cohorts (gnomAD); This variant is associated with the following publications: (PMID: 25251670)

Labcorp Genetics (formerly Invitae), Labcorp
Classification: Pathogenic. Last evaluated: 2023-09-22. Review status: criteria provided, single submitter. Criteria: Invitae Variant Classification Sherloc (09022015). Collection method: clinical testing. Allele origin: germline.
Comment: For these reasons, this variant has been classified as Pathogenic. This variant disrupts a region of the GJB2 protein in which other variant(s) (p.Leu213*) have been determined to be pathogenic (PMID: 23141775). This suggests that this is a clinically significant region of the protein, and that variants that disrupt it are likely to be disease-causing. This premature translational stop signal has been observed in individual(s) with deafness (PMID: 25251670). This variant is not present in population databases (gnomAD no frequency). This sequence change creates a premature translational stop signal (p.Arg32Alafs*3) in the GJB2 gene. While this is not anticipated to result in nonsense mediated decay, it is expected to disrupt the last 195 amino acid(s) of the GJB2 protein.

Literature cited by the submitters: PubMed 23141775 (cited by Labcorp Genetics (formerly Invitae), Labcorp); PubMed 25251670 (cited by Labcorp Genetics (formerly Invitae), Labcorp).

NM_004004.6(GJB2):c.93del (p.Arg32fs)

Gene: GJB2 (gap junction protein beta 2; minus strand). Cytogenetic location: 13q12.11.
Variant type: Deletion.
Coding change: c.93del on transcript NM_004004.6 (MANE Select); coding-DNA position 93, one base deleted (T; older notation c.93delT).
Protein change: p.Arg32fs; shifts the reading frame from arginine 32.
Molecular consequence: frameshift variant.
Genome position (GRCh38, 1-based): chr13:20,189,489, A deleted on the plus strand (T on the coding strand, the reverse complement: GJB2 is on the minus strand); the first of 5 consecutive A bases (chr13:20,189,489-20,189,493); deleting any one gives the same sequence. VCF-style (leftmost placement, unchanged base first): chr13-20189488-GA-G. GRCh37 (hg19) VCF-style: chr13-20763627-GA-G.
Other names: c.93del (NM_004004.5); short protein forms R32fs.
Identifiers: ClinVar variation 2735996 (VCV002735996.4), dbSNP rs1959062825, ClinGen allele CA2077140427.